The following is an entry in ClinVar:

NM_014844.5(TECPR2):c.4017C>T (p.Val1339=)

Gene: TECPR2 (tectonin beta-propeller repeat containing 2; plus strand). Cytogenetic location: 14q32.31.
Variant type: single nucleotide variant.
Coding change: c.4017C>T on transcript NM_014844.5 (MANE Select); coding-DNA position 4017, C replaced by T.
Protein change: p.Val1339=; no amino-acid change (valine 1339 retained).
Molecular consequence: synonymous variant.
Genome position (GRCh38, 1-based): chr14:102,497,655, C>T. VCF-style: chr14-102497655-C-T. GRCh37 (hg19) VCF-style: chr14-102963992-C-T.
Identifiers: ClinVar variation 2644583 (VCV002644583.24), dbSNP rs2504524546, ClinGen allele CA487975000.

ClinVar aggregate classification (germline): Uncertain significance (1 of 4 stars; one submission).

Submission:

CeGaT Center for Human Genetics Tuebingen
Classification: Uncertain significance. Last evaluated: 2022-09-01. Review status: criteria provided, single submitter. Criteria: CeGaT Center For Human Genetics Tuebingen Variant Classification Criteria Version 2. Collection method: clinical testing. Allele origin: germline. Affected: yes. Observed: 1 variant allele.
Comment: TECPR2: PM2:Supporting, BP4